The following is an entry in ClinVar:

NM_015425.6(POLR1A):c.1318G>A (p.Ala440Thr)

Gene: POLR1A (RNA polymerase I subunit A; minus strand). Cytogenetic location: 2p11.2.
Variant type: single nucleotide variant.
Coding change: c.1318G>A on transcript NM_015425.6 (MANE Select); coding-DNA position 1318, G replaced by A.
Protein change: p.Ala440Thr; replaces alanine 440 with threonine.
Molecular consequence: missense variant.
Genome position (GRCh38, 1-based): chr2:86,077,921, C>T on the plus strand (G>A on the coding strand, the complement: POLR1A is on the minus strand). VCF-style: chr2-86077921-C-T. GRCh37 (hg19) VCF-style: chr2-86305044-C-T.
Other names: short protein forms A440T.
Identifiers: ClinVar variation 4779861 (VCV004779861.1).

ClinVar aggregate classification (germline): Uncertain significance (1 of 4 stars; one submission).

gnomAD v4.1: 3 of 1,613,810 alleles (0.00019%); highest among the groups gnomAD compares: South Asian, 0.0033%; no homozygotes.

Submission:

Labcorp Genetics (formerly Invitae), Labcorp
Classification: Uncertain significance. Last evaluated: 2025-04-19. Review status: criteria provided, single submitter. Criteria: Invitae Variant Classification Sherloc (09022015). Collection method: clinical testing. Allele origin: germline.
Comment: This sequence change replaces alanine, which is neutral and non-polar, with threonine, which is neutral and polar, at codon 440 of the POLR1A protein (p.Ala440Thr). This variant is present in population databases (rs772030966, gnomAD 0.006%). This variant has not been reported in the literature in individuals affected with POLR1A-related conditions. Invitae Evidence Modeling of protein sequence and biophysical properties (such as structural, functional, and spatial information, amino acid conservation, physicochemical variation, residue mobility, and thermodynamic stability) indicates that this missense variant is expected to disrupt POLR1A protein function with a positive predictive value of 80%. In summary, the available evidence is currently insufficient to determine the role of this variant in disease. Therefore, it has been classified as a Variant of Uncertain Significance.